The following is an entry in ClinVar:

NM_206933.4(USH2A):c.12855G>C (p.Trp4285Cys)

Gene: USH2A (usherin; minus strand). Cytogenetic location: 1q41.
Variant type: single nucleotide variant.
Coding change: c.12855G>C on transcript NM_206933.4 (MANE Select); coding-DNA position 12855, G replaced by C.
Protein change: p.Trp4285Cys; replaces tryptophan 4285 with cysteine.
Molecular consequence: missense variant.
Genome position (GRCh38, 1-based): chr1:215,675,056, C>G on the plus strand (G>C on the coding strand, the complement: USH2A is on the minus strand). VCF-style: chr1-215675056-C-G. GRCh37 (hg19) VCF-style: chr1-215848398-C-G.
Other names: short protein forms W4285C.
Identifiers: ClinVar variation 4848110 (VCV004848110.1).

ClinVar aggregate classification (germline): Uncertain significance (1 of 4 stars; one submission).

Submission:

Women's Health and Genetics/Laboratory Corporation of America, LabCorp
Classification: Uncertain significance. Last evaluated: 2026-02-02. Review status: criteria provided, single submitter. Criteria: LabCorp Variant Classification Summary - May 2015. Collection method: clinical testing. Allele origin: germline.
Comment: Variant summary: USH2A c.12855G>C (p.Trp4285Cys) results in a non-conservative amino acid change in the encoded protein sequence. Algorithms developed to predict the effect of missense changes on protein structure and function all suggest that this variant is likely to be disruptive. The variant was absent in 251112 control chromosomes. The available data on variant occurrences in the general population are insufficient to allow any conclusion about variant significance. c.12855G>C has been observed in at least one compound heterozygous individual affected with retinitis pigmentosa (e.g., Jung_2023). These data do not allow any conclusion about variant significance. To our knowledge, no experimental evidence demonstrating an impact on protein function has been reported. The following publication has been ascertained in the context of this evaluation (PMID: 36314366). No submitters have cited clinical-significance assessments for this variant to ClinVar. Based on the evidence outlined above, the variant was classified as uncertain significance.

Literature cited by the submitters: PubMed 36314366.